The following is an entry in ClinVar:

ClinVar aggregate classification (germline): Uncertain significance (1 of 4 stars; one submission).

Conditions:
GNAS-related disorder. Identifiers: MedGen CN380105.

gnomAD v4.1: 9 of 1,613,568 alleles (0.00056%); highest among the groups gnomAD compares: South Asian, 0.0011%; no homozygotes.

Submission:

PreventionGenetics, part of Exact Sciences
Classification: Uncertain significance for GNAS-related condition. Last evaluated: 2025-11-02. Review status: criteria provided, single submitter. Criteria: ACMG Guidelines, 2015. Collection method: clinical testing. Allele origin: germline.
Comment: The GNAS c.424G>A variant is predicted to result in the amino acid substitution p.Gly142Arg. To our knowledge, this variant has not been reported in the literature or in a large population database (gnomAD), indicating this variant is rare. At this time, the clinical significance of this variant is uncertain due to the absence of conclusive functional and genetic evidence.

NM_080425.4(GNAS):c.424G>A (p.Gly142Arg)

Gene: GNAS (GNAS complex locus; plus strand). Cytogenetic location: 20q13.32.
Variant type: single nucleotide variant.
Coding change: c.424G>A on transcript NM_080425.4 (MANE Plus Clinical); coding-DNA position 424, G replaced by A.
Protein change: p.Gly142Arg; replaces glycine 142 with arginine.
Molecular consequence: missense variant. On other transcripts: synonymous variant (2), intron variant (3).
Genome position (GRCh38, 1-based): chr20:58,853,689, G>A. VCF-style: chr20-58853689-G-A. GRCh37 (hg19) VCF-style: chr20-57428744-G-A.
Other names: c.237G>A, p.Pro79= (NM_001077490.3, NM_001309883.1); c.424G>A, p.Gly142Arg (NM_001410913.1); c.*42+12803G>A (NM_016592.5); c.43+12803G>A (NM_001410912.1); c.-39+11814G>A (NM_001309861.2); short protein forms G142R.
Identifiers: ClinVar variation 4979938 (VCV004979938.1).